The following is an entry in ClinVar:

ClinVar aggregate classification (germline): Uncertain significance. Review status: criteria provided, multiple submitters, no conflicts (2 of 4 stars). 3 submissions from 3 submitters: Uncertain significance (3). Last evaluated 2022-08-16.

Conditions:
MEGF10-related myopathy (CMYO10A). Also called: Congenital myopathy 10A, severe variant. Identifiers: Orphanet 439212, MedGen C3280679, MONDO:0013731, OMIM 614399.

Allele frequency attached by ClinVar (database versions not stated): TOPMed 0.00006.
gnomAD v4.1: 165 of 1,613,874 alleles (0.01%); highest among the groups gnomAD compares: Non-Finnish European, 0.013%; no homozygotes.

Submissions (3):

Labcorp Genetics (formerly Invitae), Labcorp
Classification: Uncertain significance for MEGF10-related myopathy. Last evaluated: 2022-08-16. Review status: criteria provided, single submitter. Criteria: Invitae Variant Classification Sherloc (09022015). Collection method: clinical testing. Allele origin: germline.
Comment: This sequence change replaces arginine, which is basic and polar, with histidine, which is basic and polar, at codon 558 of the MEGF10 protein (p.Arg558His). This variant is present in population databases (rs182243856, gnomAD 0.004%). This variant has not been reported in the literature in individuals affected with MEGF10-related conditions. ClinVar contains an entry for this variant (Variation ID: 539955). Algorithms developed to predict the effect of missense changes on protein structure and function output the following: SIFT: "Deleterious"; PolyPhen-2: "Benign"; Align-GVGD: "Class C25". The histidine amino acid residue is found in multiple mammalian species, which suggests that this missense change does not adversely affect protein function. In summary, the available evidence is currently insufficient to determine the role of this variant in disease. Therefore, it has been classified as a Variant of Uncertain Significance.

Mayo Clinic Laboratories, Mayo Clinic
Classification: Uncertain significance. Last evaluated: 2020-09-21. Review status: criteria provided, single submitter. Criteria: ACMG Guidelines, 2015. Collection method: clinical testing. Allele origin: germline. Observed: 1 variant allele.

Illumina Laboratory Services, Illumina
Classification: Uncertain significance for MEGF10-related myopathy. Last evaluated: 2018-03-16. Review status: criteria provided, single submitter. Criteria: ICSL Variant Classification Criteria 13 December 2019. Collection method: clinical testing. Allele origin: germline.

NM_001256545.2(MEGF10):c.1673G>A (p.Arg558His)

Gene: MEGF10 (multiple EGF like domains 10; plus strand). Cytogenetic location: 5q23.2.
Variant type: single nucleotide variant.
Coding change: c.1673G>A on transcript NM_001256545.2 (MANE Select); coding-DNA position 1673, G replaced by A.
Protein change: p.Arg558His; replaces arginine 558 with histidine.
Molecular consequence: missense variant.
Genome position (GRCh38, 1-based): chr5:127,422,752, G>A. VCF-style: chr5-127422752-G-A. GRCh37 (hg19) VCF-style: chr5-126758444-G-A.
Other names: c.1673G>A, p.Arg558His (NM_001308119.2, NM_001308121.2, NM_032446.3); short protein forms R558H.
Identifiers: ClinVar variation 539955 (VCV000539955.12), dbSNP rs182243856, ClinGen allele CA3391667.